The following is an entry in ClinVar:

NM_001151.4(SLC25A4):c.693del (p.Phe231fs)

Gene: SLC25A4 (solute carrier family 25 member 4; plus strand). Cytogenetic location: 4q35.1.
Variant type: Deletion.
Coding change: c.693del on transcript NM_001151.4 (MANE Select); coding-DNA position 693, one base deleted (T; older notation c.693delT).
Protein change: p.Phe231fs; shifts the reading frame from phenylalanine 231.
Molecular consequence: frameshift variant.
Genome position (GRCh38, 1-based): chr4:185,145,853, T deleted; the last of 3 consecutive T bases (chr4:185,145,851-185,145,853); deleting any one gives the same sequence. VCF-style (leftmost placement, unchanged base first): chr4-185145850-CT-C. GRCh37 (hg19) VCF-style: chr4-186067004-CT-C.
Other names: short protein forms F231fs.
Identifiers: ClinVar variation 4074432 (VCV004074432.1).
Genomic context (GRCh38, chr4:185,145,850, plus strand): 5'-TTTTGTGAGCTGGATGATTGCCCAGAGTGTGACGGCAGTCGCAGGGCTGGTGTCCTACCC[CT>C]TTGACACTGTTCGTCGTAGAATGATGATGCAGTCCGGCCGGAAAGGGGGTAAGCTTGTGC-3'

ClinVar aggregate classification (germline): Uncertain significance (1 of 4 stars; one submission).

Submission:

GeneDx
Classification: Uncertain significance. Last evaluated: 2025-02-10. Review status: criteria provided, single submitter. Criteria: GeneDx Variant Classification Process June 2021. Collection method: clinical testing. Allele origin: germline. Affected: yes.
Comment: Not observed at significant frequency in large population cohorts (gnomAD); Frameshift variant predicted to result in abnormal protein length as the last 68 amino acids are replaced with seven different amino acid; Has not been previously published as pathogenic or benign to our knowledge